The following is an entry in ClinVar:

NM_007098.4(CLTCL1):c.1644+8T>C

Gene: CLTCL1 (clathrin heavy chain like 1; minus strand). Cytogenetic location: 22q11.21.
Variant type: single nucleotide variant.
Coding change: c.1644+8T>C on transcript NM_007098.4 (MANE Select); 8 bases into the intron after coding-DNA position 1644, T replaced by C.
Molecular consequence: intron variant.
Genome position (GRCh38, 1-based): chr22:19,232,468, A>G on the plus strand (T>C on the coding strand, the complement: CLTCL1 is on the minus strand). VCF-style: chr22-19232468-A-G. GRCh37 (hg19) VCF-style: chr22-19219991-A-G.
Other names: p.?; c.1644+8T>C (NM_001835.4).
Identifiers: ClinVar variation 716365 (VCV000716365.7), dbSNP rs149073351, ClinGen allele CA10098608.

ClinVar aggregate classification (germline): Benign/Likely benign. Review status: criteria provided, multiple submitters, no conflicts (2 of 4 stars). 3 submissions from 3 submitters: Benign (1); Likely benign (1). 1 of the submissions does not count toward it. Last evaluated 2024-12-31.

Conditions:
CLTCL1-related disorder. Also called: CLTCL1-related condition.

Allele frequency attached by ClinVar (database versions not stated): ESP Exome Variant Server 0.00420; TOPMed 0.00541; 1000 Genomes Project 30x 0.00390; 1000 Genomes Project 0.00439.
gnomAD v4.1: 1,718 of 1,613,922 alleles (0.11%); highest among the groups gnomAD compares: African/African-American, 1.6%; 9 homozygotes.

Submissions (3):

Mayo Clinic Laboratories, Mayo Clinic
Classification: Likely benign. Last evaluated: 2024-12-31. Review status: criteria provided, single submitter. Criteria: ACMG Guidelines, 2015. Collection method: clinical testing. Allele origin: germline. Observed: 4 variant alleles.
Comment: BS1, BP4, BP7

Labcorp Genetics (formerly Invitae), Labcorp
Classification: Benign. Last evaluated: 2019-12-31. Review status: criteria provided, single submitter. Criteria: Invitae Variant Classification Sherloc (09022015). Collection method: clinical testing. Allele origin: germline.

PreventionGenetics, part of Exact Sciences
Classification: Benign for CLTCL1-related condition. Last evaluated: 2019-02-20. Review status: no assertion criteria provided. Collection method: clinical testing. Allele origin: germline. Not counted in ClinVar's aggregate classification.
Comment: This variant is classified as benign based on ACMG/AMP sequence variant interpretation guidelines (Richards et al. 2015 PMID: 25741868, with internal and published modifications).